The following is an entry in ClinVar:

NM_000093.5(COL5A1):c.3474+5G>A

Gene: COL5A1 (collagen type V alpha 1 chain; plus strand). Cytogenetic location: 9q34.3.
Variant type: single nucleotide variant.
Coding change: c.3474+5G>A on transcript NM_000093.5 (MANE Select); 5 bases into the intron after coding-DNA position 3474, G replaced by A.
Molecular consequence: intron variant.
Genome position (GRCh38, 1-based): chr9:134,809,295, G>A. VCF-style: chr9-134809295-G-A. GRCh37 (hg19) VCF-style: chr9-137701141-G-A.
Other names: c.3474+5G>A (NM_001278074.1).
Identifiers: ClinVar variation 2200086 (VCV002200086.5), dbSNP rs2490810854, ClinGen allele CA2580080011.
Genomic context (GRCh38, chr9:134,809,295, plus strand): 5'-TGGGGCTCCCGGGTCCAGCTGGCCCTGTGGGTCCCCCTGGAGAAGACGGAGATAAGGTAA[G>A]GCAAATCCAGAGTGACCCATGGCTGGGCCTGGCTGGGCAGACGGGTGTGGGGGAGGGTGG-3'

ClinVar aggregate classification (germline): Uncertain significance. Review status: criteria provided, multiple submitters, no conflicts (2 of 4 stars). 2 submissions from 2 submitters: Uncertain significance (2). Last evaluated 2026-06-08.

Conditions:
Ehlers-Danlos syndrome, classic type, 1 (EDSCL1). Also called: EHLERS-DANLOS SYNDROME, GRAVIS TYPE; EHLERS-DANLOS SYNDROME, SEVERE CLASSIC TYPE; Ehlers-Danlos syndrome, type 1; EDS I; Ehlers-Danlos Syndrome, Classic Type, COL5A1-Related. Identifiers: MedGen C0268335, MONDO:0019567, OMIM 130000.

Allele frequency attached by ClinVar (database versions not stated): gnomAD exomes below 0.00001.
gnomAD v4.1: 3 of 1,603,642 alleles (0.00019%); highest among the groups gnomAD compares: Non-Finnish European, 0.00026%; no homozygotes.

Submissions (2):

Women's Health and Genetics/Laboratory Corporation of America, LabCorp
Classification: Uncertain significance. Last evaluated: 2026-06-08. Review status: criteria provided, single submitter. Criteria: LabCorp Variant Classification Summary - May 2015. Collection method: clinical testing. Allele origin: germline.

Labcorp Genetics (formerly Invitae), Labcorp
Classification: Uncertain significance for Ehlers-Danlos syndrome, classic type, 1. Last evaluated: 2024-05-28. Review status: criteria provided, single submitter. Criteria: Invitae Variant Classification Sherloc (09022015). Collection method: clinical testing. Allele origin: germline.
Comment: This sequence change falls in intron 43 of the COL5A1 gene. It does not directly change the encoded amino acid sequence of the COL5A1 protein. It affects a nucleotide within the consensus splice site. This variant is not present in population databases (gnomAD no frequency). This variant has not been reported in the literature in individuals affected with COL5A1-related conditions. ClinVar contains an entry for this variant (Variation ID: 2200086). Variants that disrupt the consensus splice site are a relatively common cause of aberrant splicing (PMID: 17576681, 9536098). Algorithms developed to predict the effect of sequence changes on RNA splicing suggest that this variant is not likely to affect RNA splicing. In summary, the available evidence is currently insufficient to determine the role of this variant in disease. Therefore, it has been classified as a Variant of Uncertain Significance.

Literature cited by the submitters: PubMed 17576681 (cited by Labcorp Genetics (formerly Invitae), Labcorp); PubMed 9536098 (cited by Labcorp Genetics (formerly Invitae), Labcorp).